The following is an entry in ClinVar:

NM_006005.3(WFS1):c.2441T>C (p.Leu814Pro)

Gene: WFS1 (wolframin ER transmembrane glycoprotein; plus strand). Cytogenetic location: 4p16.1.
Variant type: single nucleotide variant.
Coding change: c.2441T>C on transcript NM_006005.3 (MANE Select); coding-DNA position 2441, T replaced by C.
Protein change: p.Leu814Pro; replaces leucine 814 with proline.
Molecular consequence: missense variant.
Genome position (GRCh38, 1-based): chr4:6,302,236, T>C. VCF-style: chr4-6302236-T-C. GRCh37 (hg19) VCF-style: chr4-6303963-T-C.
Other names: c.2441T>C, p.Leu814Pro (NM_001145853.1); short protein forms L814P.
Identifiers: ClinVar variation 4802691 (VCV004802691.2).
Genomic context (GRCh38, chr4:6,302,236, plus strand): 5'-AGGAGGACGACGTCACCAAGGACATCGTGCTGCGGGCCAGCAGCGAGTTCAAGAGCGTGC[T>C]GCTCAGCCTGCGCCAGGGCAGCCTCATCGAGTTCAGCACCATCCTGGAGGGCCGCCTGGG-3'
Protein context (NP_005996.2, residues 804-824): LRASSEFKSV[Leu814Pro]LSLRQGSLIE

ClinVar aggregate classification (germline): Conflicting classifications of pathogenicity. Review status: criteria provided, conflicting classifications (1 of 4 stars). 2 submissions from 2 submitters: Likely pathogenic (1); Uncertain significance (1). Last evaluated 2025-05-26.

Conditions:
WFS1-related disorder. Identifiers: MedGen CN379391, MONDO:0700293.

Submissions (2):

Labcorp Genetics (formerly Invitae), Labcorp
Classification: Uncertain significance. Last evaluated: 2025-05-26. Review status: criteria provided, single submitter. Criteria: Invitae Variant Classification Sherloc (09022015). Collection method: clinical testing. Allele origin: germline.
Comment: This sequence change replaces leucine, which is neutral and non-polar, with proline, which is neutral and non-polar, at codon 814 of the WFS1 protein (p.Leu814Pro). This variant is not present in population databases (gnomAD no frequency). This variant has not been reported in the literature in individuals affected with WFS1-related conditions. Invitae Evidence Modeling of protein sequence and biophysical properties (such as structural, functional, and spatial information, amino acid conservation, physicochemical variation, residue mobility, and thermodynamic stability) indicates that this missense variant is expected to disrupt WFS1 protein function with a positive predictive value of 95%. In summary, the available evidence is currently insufficient to determine the role of this variant in disease. Therefore, it has been classified as a Variant of Uncertain Significance.

Blueprint Genetics
Classification: Likely pathogenic for WFS1-related disorders. Last evaluated: 2020-04-28. Review status: criteria provided, single submitter. Criteria: ACMG Guidelines, 2015. Collection method: clinical testing. Allele origin: germline. Affected: yes. Observed: 2 variant alleles.